The following is an entry in ClinVar:

ClinVar aggregate classification (germline): Uncertain significance (1 of 4 stars; one submission).

Conditions:
Hereditary cancer-predisposing syndrome. Also called: Neoplastic Syndromes, Hereditary; Tumor predisposition; Hereditary Cancer Syndrome; Hereditary neoplastic syndrome. Identifiers: Orphanet 140162, MedGen C0027672, MeSH D009386, MONDO:0015356.

Submission:

Ambry Genetics
Classification: Uncertain significance for Hereditary cancer-predisposing syndrome. Last evaluated: 2026-04-04. Review status: criteria provided, single submitter. Criteria: Ambry Variant Classification Scheme 2023. Collection method: clinical testing. Allele origin: germline.
Comment: The p.S220R variant (also known as c.660C>G), located in coding exon 4 of the KIT gene, results from a C to G substitution at nucleotide position 660. The serine at codon 220 is replaced by arginine, an amino acid with dissimilar properties. This amino acid position is conserved. In addition, this alteration is predicted to be tolerated by in silico analysis. Based on the available evidence, the clinical significance of this variant remains unclear.

NM_000222.3(KIT):c.660C>G (p.Ser220Arg)

Gene: KIT (KIT proto-oncogene, receptor tyrosine kinase; plus strand). Cytogenetic location: 4q12.
Variant type: single nucleotide variant.
Coding change: c.660C>G on transcript NM_000222.3 (MANE Select); coding-DNA position 660, C replaced by G.
Protein change: p.Ser220Arg; replaces serine 220 with arginine.
Molecular consequence: missense variant.
Genome position (GRCh38, 1-based): chr4:54,699,670, C>G. VCF-style: chr4-54699670-C-G. GRCh37 (hg19) VCF-style: chr4-55565836-C-G.
Other names: c.660C>G, p.Ser220Arg (NM_001093772.2, NM_001385284.1, NM_001385285.1 and 4 more transcripts); short protein forms S220R.
Identifiers: ClinVar variation 4858931 (VCV004858931.1).